The following is an entry in ClinVar:

NM_170707.4(LMNA):c.676C>G (p.Leu226Val)

Gene: LMNA (lamin A/C; plus strand). Cytogenetic location: 1q22.
Variant type: single nucleotide variant.
Coding change: c.676C>G on transcript NM_170707.4 (MANE Select); coding-DNA position 676, C replaced by G.
Protein change: p.Leu226Val; replaces leucine 226 with valine.
Molecular consequence: missense variant.
Genome position (GRCh38, 1-based): chr1:156,134,841, C>G. VCF-style: chr1-156134841-C-G. GRCh37 (hg19) VCF-style: chr1-156104632-C-G.
Other names: c.340C>G, p.Leu114Val (NM_001257374.3, NM_001406998.1, NM_001406989.1); c.433C>G, p.Leu145Val (NM_001282624.2, NM_001406986.1, NM_001406987.1); c.676C>G, p.Leu226Val (NM_001282625.2, NM_001282626.2, NM_001406983.1 and 6 more transcripts); c.12C>G, p.Asp4Glu (NM_001406999.1, NM_001407000.1, NM_001407001.1 and 1 more transcripts); c.118C>G, p.Leu40Val (NM_001407002.1, NM_001407003.1, NM_001406990.1 and 4 more transcripts); c.379C>G, p.Leu127Val (NM_001406988.1); short protein forms D4E, L127V, L40V, L114V, L145V, L226V.
Identifiers: ClinVar variation 2733996 (VCV002733996.3), dbSNP rs2527972606, ClinGen allele CA342817176.

ClinVar aggregate classification (germline): Uncertain significance (1 of 4 stars; one submission).

Conditions:
Charcot-Marie-Tooth disease type 2. Also called: Charcot-Marie-Tooth type 2. Identifiers: Orphanet 64746, MedGen C0270914, MONDO:0018993.

Submission:

Labcorp Genetics (formerly Invitae), Labcorp
Classification: Uncertain significance for Charcot-Marie-Tooth disease type 2. Last evaluated: 2023-08-22. Review status: criteria provided, single submitter. Criteria: Invitae Variant Classification Sherloc (09022015). Collection method: clinical testing. Allele origin: germline.
Comment: This sequence change replaces leucine, which is neutral and non-polar, with valine, which is neutral and non-polar, at codon 226 of the LMNA protein (p.Leu226Val). This variant is not present in population databases (gnomAD no frequency). This missense change has been observed in individual(s) with dilated cardiomyopathy (PMID: 23062543). Advanced modeling of protein sequence and biophysical properties (such as structural, functional, and spatial information, amino acid conservation, physicochemical variation, residue mobility, and thermodynamic stability) has been performed at Invitae for this missense variant, however the output from this modeling did not meet the statistical confidence thresholds required to predict the impact of this variant on LMNA protein function. In summary, the available evidence is currently insufficient to determine the role of this variant in disease. Therefore, it has been classified as a Variant of Uncertain Significance.

Literature cited by the submitters: PubMed 23062543.